The following is an entry in ClinVar:

NM_000256.3(MYBPC3):c.3167C>G (p.Ala1056Gly)

Gene: MYBPC3 (myosin binding protein C3; minus strand). Cytogenetic location: 11p11.2.
Variant type: single nucleotide variant.
Coding change: c.3167C>G on transcript NM_000256.3 (MANE Select); coding-DNA position 3167, C replaced by G.
Protein change: p.Ala1056Gly; replaces alanine 1056 with glycine.
Molecular consequence: missense variant.
Genome position (GRCh38, 1-based): chr11:47,333,580, G>C on the plus strand (C>G on the coding strand, the complement: MYBPC3 is on the minus strand). VCF-style: chr11-47333580-G-C. GRCh37 (hg19) VCF-style: chr11-47355131-G-C.
Other names: short protein forms A1056G.
Identifiers: ClinVar variation 3074952 (VCV003074952.1), dbSNP rs2495741377, ClinGen allele CA380314709.
Genomic context (GRCh38, chr11:47,333,580, plus strand): 5'-GGAAACAAGGGGGCTCAAGGAGGCCTTGGCCACGCACCAACAACCTGCAGCACCAGCGTG[G>C]CCTTGTCCTCCATGTTCTCAATGCGCACCGTCACCTGGTAAGTGCCTGAATGCACGCGGC-3'
Protein context (NP_000247.2, residues 1046-1066): TVRIENMEDK[Ala1056Gly]TLVLQVVDKP

ClinVar aggregate classification (germline): Uncertain significance (1 of 4 stars; one submission).

Conditions:
Hypertrophic cardiomyopathy. Also called: HYPERTROPHIC MYOCARDIOPATHY. Identifiers: Orphanet 217569, MedGen C0007194, MeSH D002312, MONDO:0005045, HP:0001639.

Submission:

All of Us Research Program, National Institutes of Health
Classification: Uncertain significance for Hypertrophic cardiomyopathy. Last evaluated: 2024-01-11. Review status: criteria provided, single submitter. Criteria: ACMG Guidelines, 2015. Collection method: clinical testing. Allele origin: germline. Inheritance: Autosomal dominant inheritance. Observed: 1 variant allele, 1 heterozygote.
Comment: This study involves interpretation of variants in research participants for the purpose of population health screening. Participant phenotype was not available at the time of variant classification. Additional details can be found in publication PMID: 35346344, PMCID: PMC8962531